The following is an entry in ClinVar:

ClinVar aggregate classification (germline): Uncertain significance. Review status: criteria provided, multiple submitters, no conflicts (2 of 4 stars). 2 submissions from 2 submitters: Uncertain significance (2). Last evaluated 2025-08-17.

Conditions:
Familial thoracic aortic aneurysm and aortic dissection (TAAD). Also called: Thoracic aortic aneurysms and dissections. Identifiers: Orphanet 91387, MedGen C4707243, MONDO:0019625.
Marfan syndrome (MFS). Also called: MARFAN SYNDROME, TYPE I; Marfan syndrome type 1; Marfan's syndrome; Marfan syndrome, classic; FBN1-Related Marfan Syndrome. Identifiers: Orphanet 284963, Orphanet 558, MedGen C0024796, MONDO:0007947, OMIM 154700.

gnomAD v4.1: 1 of 1,613,860 alleles (0.000062%); highest among the groups gnomAD compares: Non-Finnish European, 0.000085%; no homozygotes.

Submissions (2):

Color Diagnostics, LLC DBA Color Health
Classification: Uncertain significance for Familial thoracic aortic aneurysm and aortic dissection. Last evaluated: 2025-08-17. Review status: criteria provided, single submitter. Criteria: ACMG Guidelines, 2015. Collection method: clinical testing. Allele origin: germline.
Comment: This missense variant replaces proline with alanine at codon 2284 of the FBN1 protein. Computational prediction is inconclusive regarding the impact of this variant on protein structure and function. To our knowledge, functional studies have not been reported for this variant. This variant has not been reported in individuals affected with FBN1-related disorders in the literature. This variant has not been identified in the general population by the Genome Aggregation Database (gnomAD). The available evidence is insufficient to determine the role of this variant in disease conclusively. Therefore, this variant is classified as a Variant of Uncertain Significance.

Labcorp Genetics (formerly Invitae), Labcorp
Classification: Uncertain significance for Marfan syndrome; Familial thoracic aortic aneurysm and aortic dissection. Last evaluated: 2024-12-12. Review status: criteria provided, single submitter. Criteria: Invitae Variant Classification Sherloc (09022015). Collection method: clinical testing. Allele origin: germline.
Comment: This sequence change replaces proline, which is neutral and non-polar, with alanine, which is neutral and non-polar, at codon 2284 of the FBN1 protein (p.Pro2284Ala). This variant is not present in population databases (gnomAD no frequency). This variant has not been reported in the literature in individuals affected with FBN1-related conditions. Invitae Evidence Modeling of protein sequence and biophysical properties (such as structural, functional, and spatial information, amino acid conservation, physicochemical variation, residue mobility, and thermodynamic stability) indicates that this missense variant is not expected to disrupt FBN1 protein function with a negative predictive value of 95%. In summary, the available evidence is currently insufficient to determine the role of this variant in disease. Therefore, it has been classified as a Variant of Uncertain Significance.

NM_000138.5(FBN1):c.6850C>G (p.Pro2284Ala)

Gene: FBN1 (fibrillin 1; minus strand). Cytogenetic location: 15q21.1.
Variant type: single nucleotide variant.
Coding change: c.6850C>G on transcript NM_000138.5 (MANE Select); coding-DNA position 6850, C replaced by G.
Protein change: p.Pro2284Ala; replaces proline 2284 with alanine.
Molecular consequence: missense variant.
Genome position (GRCh38, 1-based): chr15:48,430,692, G>C on the plus strand (C>G on the coding strand, the complement: FBN1 is on the minus strand). VCF-style: chr15-48430692-G-C. GRCh37 (hg19) VCF-style: chr15-48722889-G-C.
Other names: c.6850C>G, p.Pro2284Ala (NM_001406716.1); short protein forms P2284A.
Identifiers: ClinVar variation 3762994 (VCV003762994.3).